The following is an entry in ClinVar:

NM_003183.6(ADAM17):c.1118T>G (p.Val373Gly)

Gene: ADAM17 (ADAM metallopeptidase domain 17; minus strand). Cytogenetic location: 2p25.1.
Variant type: single nucleotide variant.
Coding change: c.1118T>G on transcript NM_003183.6 (MANE Select); coding-DNA position 1118, T replaced by G.
Protein change: p.Val373Gly; replaces valine 373 with glycine.
Molecular consequence: missense variant.
Genome position (GRCh38, 1-based): chr2:9,517,974, A>C on the plus strand (T>G on the coding strand, the complement: ADAM17 is on the minus strand). VCF-style: chr2-9517974-A-C. GRCh37 (hg19) VCF-style: chr2-9658103-A-C.
Other names: c.458T>G, p.Val153Gly (NM_001382777.1); c.221T>G, p.Val74Gly (NM_001382778.1); short protein forms V373G, V74G, V153G.
Identifiers: ClinVar variation 2016550 (VCV002016550.4), dbSNP rs781232281, ClinGen allele CA345779973.
Genomic context (GRCh38, chr2:9,517,974, plus strand): 5'-GTTTTACCATAATTCTTTGTGCTCGTCAAACCACTATTCAAATAGATATTTTTCTTCCCA[A>C]CTGGGCTATAATAAGCTAAAGTCAAAAGGAAACAGAGATAAATTGCTTATTAAATACAGA-3'
Protein context (NP_003174.3, residues 363-383): GVCPKAYYSP[Val373Gly]GKKNIYLNSG

ClinVar aggregate classification (germline): Uncertain significance (1 of 4 stars; one submission).

Conditions:
Inflammatory skin and bowel disease, neonatal, 1. Identifiers: Orphanet 294023, MedGen C3280501, MONDO:0013693, OMIM 614328.

Submission:

Labcorp Genetics (formerly Invitae), Labcorp
Classification: Uncertain significance for Inflammatory skin and bowel disease, neonatal, 1. Last evaluated: 2024-10-21. Review status: criteria provided, single submitter. Criteria: Invitae Variant Classification Sherloc (09022015). Collection method: clinical testing. Allele origin: germline.
Comment: This sequence change replaces valine, which is neutral and non-polar, with glycine, which is neutral and non-polar, at codon 373 of the ADAM17 protein (p.Val373Gly). This variant is not present in population databases (gnomAD no frequency). This variant has not been reported in the literature in individuals affected with ADAM17-related conditions. ClinVar contains an entry for this variant (Variation ID: 2016550). An algorithm developed to predict the effect of missense changes on protein structure and function outputs the following: PolyPhen-2: "Benign". The glycine amino acid residue is found in multiple mammalian species, which suggests that this missense change does not adversely affect protein function. In summary, the available evidence is currently insufficient to determine the role of this variant in disease. Therefore, it has been classified as a Variant of Uncertain Significance.